The following is an entry in ClinVar:

NM_021830.5(TWNK):c.*521C>G

Gene: TWNK (twinkle mtDNA helicase; plus strand). Cytogenetic location: 10q24.31.
Variant type: single nucleotide variant.
Coding change: c.*521C>G on transcript NM_021830.5 (MANE Select); 521 bases downstream of the stop codon, C replaced by G.
Molecular consequence: 3 prime UTR variant. On other transcripts: non-coding transcript variant (5).
Genome position (GRCh38, 1-based): chr10:100,994,031, C>G. VCF-style: chr10-100994031-C-G. GRCh37 (hg19) VCF-style: chr10-102753788-C-G.
Other names: c.*871C>G (NM_001163812.2, NM_001163814.2); c.*521C>G (NM_001163813.2, NM_001368275.1).
Identifiers: ClinVar variation 298513 (VCV000298513.9), dbSNP rs11542131, ClinGen allele CA10627883.
Genomic context (GRCh38, chr10:100,994,031, plus strand): 5'-GGACCCAGGCAGAGAGAAAAGGAAATCCAAGCCCTGAGGTAGGAATGAGCAGGTCAGATT[C>G]AAGGCAGTGAGGTCAGGCCGCATGAACCTGGAGGGGAATCGGGGACTTCATGCGAAACTC-3'

ClinVar aggregate classification (germline): Benign. Review status: criteria provided, multiple submitters, no conflicts (2 of 4 stars). 6 submissions from 3 submitters: Benign (6). Last evaluated 2021-05-10.

Conditions:
Sensory ataxic neuropathy, dysarthria, and ophthalmoparesis (SANDO). Also called: SENSORY ATAXIC NEUROPATHY WITH MITOCHONDRIAL DNA DELETIONS, AUTOSOMAL RECESSIVE; Ataxia Neuropathy Spectrum (ANS); Sensory ataxic neuropathy-dysarthria-ophthalmoparesis syndrome; Epilepsy, progressive myoclonic, type 5. Identifiers: Orphanet 70595, MedGen C1843851, MONDO:0011835, OMIM 607459.
Progressive external ophthalmoplegia with mitochondrial DNA deletions, autosomal dominant 3. Also called: PROGRESSIVE EXTERNAL OPHTHALMOPLEGIA, AUTOSOMAL DOMINANT 3. Identifiers: MedGen C1836439, MONDO:0012241, OMIM 609286.
Autosomal recessive cerebellar ataxia. Also called: Spinocerebellar ataxia, autosomal recessive; Spinocerebellar Ataxia, Recessive. Identifiers: Orphanet 1172, MedGen C5575375, MONDO:0015244.
Infantile onset spinocerebellar ataxia (MTDPS7). Also called: OHAHA SYNDROME; SPINOCEREBELLAR ATAXIA, INFANTILE, WITH SENSORY NEUROPATHY; Mitochondrial DNA depletion syndrome 7 (hepatocerebral type); OPHTHALMOPLEGIA, HYPOTONIA, ATAXIA, HYPOACUSIS, AND ATHETOSIS. Identifiers: Orphanet 1186, MedGen C1849096, MONDO:0010060, OMIM 271245.

Allele frequency attached by ClinVar (database versions not stated): 1000 Genomes Project 0.05751; 1000 Genomes Project 30x 0.05778; TOPMed 0.07916; gnomAD 0.08015 and 0.08029.
gnomAD v4.1: 13,592 of 170,708 alleles (8%); highest among the groups gnomAD compares: Non-Finnish European, 11%; 714 homozygotes.

Submissions (6):

GeneDx
Classification: Benign. Last evaluated: 2021-05-10. Review status: criteria provided, single submitter. Criteria: GeneDx Variant Classification Process June 2021. Collection method: clinical testing. Allele origin: germline. Affected: yes.

Illumina Laboratory Services, Illumina
Classification: Benign for Autosomal recessive cerebellar ataxia. Last evaluated: 2018-01-13. Review status: criteria provided, single submitter. Criteria: ICSL Variant Classification Criteria 13 December 2019. Collection method: clinical testing. Allele origin: germline.
Comment: This variant was observed in the ICSL laboratory as part of a predisposition screen in an ostensibly healthy population. It had not been previously curated by ICSL or reported in the Human Gene Mutation Database (HGMD: prior to June 1st, 2018), and was therefore a candidate for classification through an automated scoring system. Utilizing variant allele frequency, disease prevalence and penetrance estimates, and inheritance mode, an automated score was calculated to assess if this variant is too frequent to cause the disease. Based on the score and internal cut-off values, a variant classified as benign is not then subjected to further curation. The score for this variant resulted in a classification of benign for this disease.

Illumina Laboratory Services, Illumina
Classification: Benign for Sensory ataxic neuropathy-dysarthria-ophthalmoparesis syndrome. Last evaluated: 2018-01-13. Review status: criteria provided, single submitter. Criteria: ICSL Variant Classification Criteria 13 December 2019. Collection method: clinical testing. Allele origin: germline.
Comment: the same text as in the submission from Illumina Laboratory Services, Illumina above.

Illumina Laboratory Services, Illumina
Classification: Benign for Progressive external ophthalmoplegia with mitochondrial DNA deletions, autosomal dominant 3. Last evaluated: 2018-01-13. Review status: criteria provided, single submitter. Criteria: ICSL Variant Classification Criteria 13 December 2019. Collection method: clinical testing. Allele origin: germline.
Comment: the same text as in the submission from Illumina Laboratory Services, Illumina above.

Illumina Laboratory Services, Illumina
Classification: Benign for Infantile onset spinocerebellar ataxia. Last evaluated: 2018-01-13. Review status: criteria provided, single submitter. Criteria: ICSL Variant Classification Criteria 13 December 2019. Collection method: clinical testing. Allele origin: germline.
Comment: the same text as in the submission from Illumina Laboratory Services, Illumina above.

Breakthrough Genomics
Classification: Benign. Review status: criteria provided, single submitter. Criteria: ACMG Guidelines, 2015. Collection method: not provided. Allele origin: germline. Inheritance: Autosomal recessive inheritance. Affected: yes.